The following is an entry in ClinVar:

NM_001384140.1(PCDH15):c.4671+1345G>C

Gene: PCDH15 (protocadherin related 15; minus strand). Cytogenetic location: 10q21.1.
Variant type: single nucleotide variant.
Coding change: c.4671+1345G>C on transcript NM_001384140.1 (MANE Select); 1345 bases into the intron after coding-DNA position 4671, G replaced by C.
Molecular consequence: intron variant. On other transcripts: missense variant (2), 3 prime UTR variant (1).
Genome position (GRCh38, 1-based): chr10:53,809,211, C>G on the plus strand (G>C on the coding strand, the complement: PCDH15 is on the minus strand). VCF-style: chr10-53809211-C-G. GRCh37 (hg19) VCF-style: chr10-55568971-C-G.
Other names: c.4854G>C, p.Glu1618Asp (NM_001142769.4); c.*269G>C (NM_001142770.3); c.4833G>C, p.Glu1611Asp (NM_001354411.2); c.4476+1345G>C (NM_001354420.2); c.4605+1345G>C (NM_001354429.2); c.4482+1345G>C (NM_001142772.2); c.4497+1345G>C (NM_001142771.2); short protein forms E1618D, E1611D.
Identifiers: ClinVar variation 505031 (VCV000505031.11), dbSNP rs531574437, ClinGen allele CA5504789.

ClinVar aggregate classification (germline): Benign/Likely benign. Review status: criteria provided, multiple submitters, no conflicts (2 of 4 stars). 4 submissions from 4 submitters: Benign (2); Likely benign (1). 1 of the submissions does not count toward it. Last evaluated 2026-07-01.

Conditions:
PCDH15-related disorder. Also called: PCDH15-related disorders; PCDH15-related condition.

Allele frequency attached by ClinVar (database versions not stated): TOPMed 0.00002; 1000 Genomes Project 30x 0.00250; 1000 Genomes Project 0.00300.
gnomAD v4.1: 1,311 of 1,613,932 alleles (0.081%); highest among the groups gnomAD compares: South Asian, 1.4%; 20 homozygotes.

Submissions (4):

CeGaT Center for Human Genetics Tuebingen
Classification: Benign. Last evaluated: 2026-07-01. Review status: criteria provided, single submitter. Criteria: CeGaT Center For Human Genetics Tuebingen Variant Classification Criteria Version 2. Collection method: clinical testing. Allele origin: germline. Affected: yes. Observed: 1 variant allele.
Comment: PCDH15: PP3, BS1, BS2

GeneDx
Classification: Likely benign. Last evaluated: 2018-07-17. Review status: criteria provided, single submitter. Criteria: GeneDx Variant Classification Process June 2021. Collection method: clinical testing. Allele origin: germline. Affected: yes.

Laboratory for Molecular Medicine, Mass General Brigham Personalized Medicine
Classification: Benign. Last evaluated: 2016-05-10. Review status: criteria provided, single submitter. Criteria: LMM Criteria. Collection method: clinical testing. Allele origin: germline. Observed: 1 variant allele.
Comment: p.Glu1618Asp in exon 37A of PCDH15: This variant is not expected to have clinica l significance because it has been identified in 244/16508 (1.5%) of South Asian chromosomes by the Exome Aggregation Consortium (ExAC; dbSNP rs531574437).

PreventionGenetics, part of Exact Sciences
Classification: Benign for PCDH15-related condition. Last evaluated: 2019-09-20. Review status: no assertion criteria provided. Collection method: clinical testing. Allele origin: germline. Not counted in ClinVar's aggregate classification.
Comment: This variant is classified as benign based on ACMG/AMP sequence variant interpretation guidelines (Richards et al. 2015 PMID: 25741868, with internal and published modifications).